The following is an entry in ClinVar:

ClinVar aggregate classification (germline): Uncertain significance (1 of 4 stars; one submission).

Conditions:
POMC-related disorder. Also called: POMC-related condition; POMC-related disorders.

gnomAD v4.1: 2 of 1,608,768 alleles (0.00012%); highest among the groups gnomAD compares: Admixed American, 0.0017%; no homozygotes.

Submission:

PreventionGenetics, part of Exact Sciences
Classification: Uncertain significance for POMC-related condition. Last evaluated: 2026-03-30. Review status: criteria provided, single submitter. Criteria: ACMG Guidelines, 2015. Collection method: clinical testing. Allele origin: germline.
Comment: The POMC c.574G>A variant is predicted to result in the amino acid substitution p.Asp192Asn. This variant has been observed in a cohort of individuals with obesity, and in vitro functional studies showed function similar to wild-type levels (Supplemental Data Set, Shah et al. 2023. PubMed ID: 36864747). This variant is reported in 0.0030% of alleles in individuals of Latino descent in gnomAD. At this time, the clinical significance of this variant is uncertain due to the absence of conclusive functional and genetic evidence.

NM_000939.4(POMC):c.574G>A (p.Asp192Asn)

Gene: POMC (proopiomelanocortin; minus strand). Cytogenetic location: 2p23.3.
Variant type: single nucleotide variant.
Coding change: c.574G>A on transcript NM_000939.4 (MANE Select); coding-DNA position 574, G replaced by A.
Protein change: p.Asp192Asn; replaces aspartic acid 192 with asparagine.
Molecular consequence: missense variant.
Genome position (GRCh38, 1-based): chr2:25,161,311, C>T on the plus strand (G>A on the coding strand, the complement: POMC is on the minus strand). VCF-style: chr2-25161311-C-T. GRCh37 (hg19) VCF-style: chr2-25384180-C-T.
Other names: c.574G>A, p.Asp192Asn (NM_001035256.3, NM_001319204.2, NM_001319205.2); short protein forms D192N.
Identifiers: ClinVar variation 4988022 (VCV004988022.1).
Genomic context (GRCh38, chr2:25,161,311, plus strand): 5'-CCACCAGCAGGCTGTGCTCCAGGTCGGCCTGGGCCCCTGCGCCGTCATCGGCAGGGCCGT[C>T]GGGGCCATCTCCCTCCCGGAGTCGCTGGCCAGTCAGCTCCCTCTTGAACTCCAGGGGGAA-3'
Protein context (NP_000930.1, residues 182-202): GQRLREGDGP[Asp192Asn]GPADDGAGAQ